The following is an entry in ClinVar:

NM_170601.5(SIAE):c.1109A>T (p.Asp370Val)

Gene: SIAE (sialic acid acetylesterase; minus strand). Cytogenetic location: 11q24.2.
Variant type: single nucleotide variant.
Coding change: c.1109A>T on transcript NM_170601.5 (MANE Select); coding-DNA position 1109, A replaced by T.
Protein change: p.Asp370Val; replaces aspartic acid 370 with valine.
Molecular consequence: missense variant.
Genome position (GRCh38, 1-based): chr11:124,639,725, T>A on the plus strand (A>T on the coding strand, the complement: SIAE is on the minus strand). VCF-style: chr11-124639725-T-A. GRCh37 (hg19) VCF-style: chr11-124509621-T-A.
Other names: c.1004A>T, p.Asp335Val (NM_001199922.2); short protein forms D370V, D335V.
Identifiers: ClinVar variation 3642798 (VCV003642798.2).
Genomic context (GRCh38, chr11:124,639,725, plus strand): 5'-CAAAGAACATACACTGTTCATGCAAAGCCCAAGAAGCAATCATACCTGCCAAAAGGCGAG[T>A]CTCTATCACAGAGATCCATAGCTACAGCCATGAAAGTATTGGGCATCTTTGGGTTGGGGA-3'
Protein context (NP_733746.1, residues 360-380): MAVAMDLCDR[Asp370Val]SPFGSIHPRD

ClinVar aggregate classification (germline): Uncertain significance (1 of 4 stars; one submission).

Submission:

Labcorp Genetics (formerly Invitae), Labcorp
Classification: Uncertain significance. Last evaluated: 2024-02-23. Review status: criteria provided, single submitter. Criteria: Invitae Variant Classification Sherloc (09022015). Collection method: clinical testing. Allele origin: germline.
Comment: This sequence change replaces aspartic acid, which is acidic and polar, with valine, which is neutral and non-polar, at codon 370 of the SIAE protein (p.Asp370Val). This variant is not present in population databases (gnomAD no frequency). This variant has not been reported in the literature in individuals affected with SIAE-related conditions. An algorithm developed to predict the effect of missense changes on protein structure and function (PolyPhen-2) suggests that this variant is likely to be tolerated. In summary, the available evidence is currently insufficient to determine the role of this variant in disease. Therefore, it has been classified as a Variant of Uncertain Significance.